The following is an entry in ClinVar:

ClinVar aggregate classification (germline): Benign/Likely benign. Review status: criteria provided, multiple submitters, no conflicts (2 of 4 stars). 15 submissions from 12 submitters: Benign (6); Likely benign (6). 3 of the submissions do not count toward it. Last evaluated 2026-01-16.

Conditions:
TTN-related disorder. Also called: TTN-related disorders; TTN-related condition; TTN-related disease.
Dilated cardiomyopathy 1G (CMD1G). Identifiers: Orphanet 154, MedGen C1858763, MONDO:0011400, OMIM 604145.
Autosomal recessive limb-girdle muscular dystrophy type 2J (LGMDR10). Also called: MUSCULAR DYSTROPHY, LIMB-GIRDLE, AUTOSOMAL RECESSIVE 10; Limb-girdle muscular dystrophy, type 2J. Identifiers: Orphanet 140922, MedGen C1837342, MONDO:0012127, OMIM 608807.
Early-onset myopathy with fatal cardiomyopathy (CMYO5). Also called: CONGENITAL MYOPATHY 5 WITH CARDIOMYOPATHY; Salih Myopathy. Identifiers: Orphanet 289377, MedGen C2673677, MONDO:0012714, OMIM 611705. Disease mechanism: loss of function.
Hypertrophic cardiomyopathy 9. Also called: Familial hypertrophic cardiomyopathy 9. Identifiers: MedGen C1861065, MONDO:0013412, OMIM 613765.
Tibial muscular dystrophy (TMD). Also called: Udd Distal Myopathy – Tibial Muscular Dystrophy; Tibial muscular dystrophy, tardive; UDD MYOPATHY. Identifiers: Orphanet 609, MedGen C1838244, MONDO:0010870, OMIM 600334.
Myopathy, myofibrillar, 9, with early respiratory failure (MFM9). Also called: Myopathy, distal, with early respiratory failure, autosomal dominant; Hereditary myopathy with early respiratory failure; MYOPATHY, PROXIMAL, WITH EARLY RESPIRATORY MUSCLE INVOLVEMENT; EDSTROM MYOPATHY. Identifiers: Orphanet 178464, Orphanet 34521, MedGen C1863599, MONDO:0011362, OMIM 603689.

Allele frequency attached by ClinVar (database versions not stated): ExAC 0.00025; 1000 Genomes Project 30x 0.00031; ESP Exome Variant Server 0.00117; 1000 Genomes Project 0.00020; gnomAD exomes 0.00007 and 0.00021; TOPMed 0.00097; gnomAD 0.00076 and 0.00083.
gnomAD v4.1: 219 of 1,613,348 alleles (0.014%); highest among the groups gnomAD compares: African/African-American, 0.26%; no homozygotes.

Submissions (15):

Labcorp Genetics (formerly Invitae), Labcorp
Classification: Likely benign for Dilated cardiomyopathy 1G; Autosomal recessive limb-girdle muscular dystrophy type 2J. Last evaluated: 2026-01-16. Review status: criteria provided, single submitter. Criteria: Invitae Variant Classification Sherloc (09022015). Collection method: clinical testing. Allele origin: germline.

Women's Health and Genetics/Laboratory Corporation of America, LabCorp
Classification: Likely benign. Last evaluated: 2025-12-12. Review status: criteria provided, single submitter. Criteria: LabCorp Variant Classification Summary - May 2015. Collection method: clinical testing. Allele origin: germline.
Comment: Variant summary: TTN c.21491C>T (p.Thr7164Ile) results in a non-conservative amino acid change located in the I-band region of the encoded protein sequence. Algorithms developed to predict the effect of missense changes on protein structure and function are either unavailable or do not agree on the potential impact of this missense change. The variant allele was found at a frequency of 0.00031 in 279186 control chromosomes, predominantly at a frequency of 0.0034 within the African or African-American subpopulation in the gnomAD database. The observed variant frequency within African or African-American control individuals in the gnomAD database exceeds the estimated maximal expected allele frequency for disease-causing variants in TTN. To our knowledge, no occurrence of c.21491C>T in individuals affected with TTN-related conditions and no experimental evidence demonstrating its impact on protein function have been reported. ClinVar contains an entry for this variant (Variation ID: 46754). Based on the evidence outlined above, the variant was classified as likely benign.

Molecular Diagnostic Laboratory for Inherited Cardiovascular Disease, Montreal Heart Institute
Classification: Benign. Last evaluated: 2025-04-09. Review status: criteria provided, single submitter. Criteria: ACMG Guidelines, 2015. Collection method: clinical testing. Allele origin: germline. Affected: no.
Comment: BS1;BP1;BP6

Fulgent Genetics
Classification: Likely benign for Tibial muscular dystrophy; Myopathy, myofibrillar, 9, with early respiratory failure; Dilated cardiomyopathy 1G; Autosomal recessive limb-girdle muscular dystrophy type 2J; Early-onset myopathy with fatal cardiomyopathy; Hypertrophic cardiomyopathy 9. Last evaluated: 2021-11-10. Review status: criteria provided, single submitter. Criteria: ACMG Guidelines, 2015. Collection method: clinical testing. Allele origin: unknown.

Genome-Nilou Lab
Classification: Benign for Autosomal recessive limb-girdle muscular dystrophy type 2J. Last evaluated: 2021-09-10. Review status: criteria provided, single submitter. Criteria: ACMG Guidelines, 2015. Collection method: clinical testing. Allele origin: germline. Affected: no.

Genome-Nilou Lab
Classification: Benign for Myopathy, myofibrillar, 9, with early respiratory failure. Last evaluated: 2021-09-10. Review status: criteria provided, single submitter. Criteria: ACMG Guidelines, 2015. Collection method: clinical testing. Allele origin: germline. Affected: no.

Genome-Nilou Lab
Classification: Benign for Early-onset myopathy with fatal cardiomyopathy. Last evaluated: 2021-09-10. Review status: criteria provided, single submitter. Criteria: ACMG Guidelines, 2015. Collection method: clinical testing. Allele origin: germline. Affected: no.

Genome-Nilou Lab
Classification: Benign for Tibial muscular dystrophy. Last evaluated: 2021-09-10. Review status: criteria provided, single submitter. Criteria: ACMG Guidelines, 2015. Collection method: clinical testing. Allele origin: germline. Affected: no.

GeneDx
Classification: Likely benign. Last evaluated: 2020-03-16. Review status: criteria provided, single submitter. Criteria: GeneDx Variant Classification Process June 2021. Collection method: clinical testing. Allele origin: germline. Affected: yes.

Athena Diagnostics
Classification: Benign. Last evaluated: 2016-10-28. Review status: criteria provided, single submitter. Criteria: Athena Diagnostics Criteria. Collection method: clinical testing. Allele origin: germline.

Laboratory for Molecular Medicine, Mass General Brigham Personalized Medicine
Classification: Likely benign. Last evaluated: 2015-10-22. Review status: criteria provided, single submitter. Criteria: LMM Criteria. Collection method: clinical testing. Allele origin: germline. Observed: 3 variant alleles.
Comment: p.Thr7164Ile in exon 84 of TTN: This variant is not expected to have clinical si gnificance because it has been identified in 0.3% (27/9550) of African chromosom es by the Exome Aggregation Consortium (ExAC; db SNP rs201432372).

Eurofins Ntd Llc (ga)
Classification: Likely benign. Last evaluated: 2015-08-21. Review status: criteria provided, single submitter. Criteria: EGL Classification Definitions 2015. Collection method: clinical testing. Allele origin: germline. Observed: 2 variant alleles, 2 heterozygotes.

PreventionGenetics, part of Exact Sciences
Classification: Likely benign for TTN-related condition. Last evaluated: 2021-01-27. Review status: no assertion criteria provided. Collection method: clinical testing. Allele origin: germline. Not counted in ClinVar's aggregate classification.
Comment: This variant is classified as likely benign based on ACMG/AMP sequence variant interpretation guidelines (Richards et al. 2015 PMID: 25741868, with internal and published modifications).

Clinical Genetics, Academic Medical Center
Classification: Benign. Review status: no assertion criteria provided. Collection method: clinical testing. Allele origin: germline. Affected: yes. Study: VKGL Data-share Consensus. Not counted in ClinVar's aggregate classification.

Laboratory of Diagnostic Genome Analysis, Leiden University Medical Center (LUMC)
Classification: Likely benign. Review status: no assertion criteria provided. Collection method: clinical testing. Allele origin: germline. Affected: yes. Study: VKGL Data-share Consensus. Not counted in ClinVar's aggregate classification.

NM_001267550.2(TTN):c.25223C>T (p.Thr8408Ile)

Gene: TTN (titin; minus strand). Cytogenetic location: 2q31.2.
Variant type: single nucleotide variant.
Coding change: c.25223C>T on transcript NM_001267550.2 (MANE Select); coding-DNA position 25223, C replaced by T.
Protein change: p.Thr8408Ile; replaces threonine 8408 with isoleucine.
Molecular consequence: missense variant. On other transcripts: intron variant (3).
Genome position (GRCh38, 1-based): chr2:178,717,651, G>A on the plus strand (C>T on the coding strand, the complement: TTN is on the minus strand). VCF-style: chr2-178717651-G-A. GRCh37 (hg19) VCF-style: chr2-179582378-G-A.
Other names: c.24272C>T, p.Thr8091Ile (NM_001256850.1); c.21491C>T, p.Thr7164Ile (NM_133378.4); c.13282+20431C>T (NM_003319.4); c.13858+20431C>T (NM_133437.4); c.13657+20431C>T (NM_133432.3); short protein forms T8408I, T7164I, T8091I.
Identifiers: ClinVar variation 46754 (VCV000046754.30), dbSNP rs201432372, ClinGen allele CA139123.